The following is an entry in ClinVar:

ClinVar aggregate classification (germline): Uncertain significance. Review status: criteria provided, multiple submitters, no conflicts (2 of 4 stars). 2 submissions from 2 submitters: Uncertain significance (2). Last evaluated 2023-10-08.

Conditions:
Atrial standstill 1 (ATRST1). Also called: ATRIAL CARDIOMYOPATHY WITH HEART BLOCK; CARDIOMYOPATHY, FAMILIAL, WITH CONDUCTION DISTURBANCE; Atrial standstill, digenic (GJA5/SCN5A). Identifiers: Orphanet 1344, MedGen C4551959, MONDO:0007171, OMIM 108770.
Atrial fibrillation, familial, 11 (ATFB11). Identifiers: MedGen C3279693, MONDO:0013544, OMIM 614049.

Allele frequency attached by ClinVar (database versions not stated): gnomAD exomes 0.00001 and 0.00003; ExAC 0.00002; TOPMed below 0.00001; gnomAD 0.00001.

Submissions (2):

Labcorp Genetics (formerly Invitae), Labcorp
Classification: Uncertain significance for Atrial fibrillation, familial, 11; Atrial standstill 1. Last evaluated: 2023-10-08. Review status: criteria provided, single submitter. Criteria: Invitae Variant Classification Sherloc (09022015). Collection method: clinical testing. Allele origin: germline.
Comment: This sequence change replaces valine, which is neutral and non-polar, with alanine, which is neutral and non-polar, at codon 198 of the GJA5 protein (p.Val198Ala). This variant is present in population databases (rs782032408, gnomAD 0.002%). This variant has not been reported in the literature in individuals affected with GJA5-related conditions. ClinVar contains an entry for this variant (Variation ID: 1383336). Advanced modeling of protein sequence and biophysical properties (such as structural, functional, and spatial information, amino acid conservation, physicochemical variation, residue mobility, and thermodynamic stability) performed at Invitae indicates that this missense variant is not expected to disrupt GJA5 protein function. In summary, the available evidence is currently insufficient to determine the role of this variant in disease. Therefore, it has been classified as a Variant of Uncertain Significance.

CeGaT Center for Human Genetics Tuebingen
Classification: Uncertain significance. Last evaluated: 2023-03-01. Review status: criteria provided, single submitter. Criteria: CeGaT Center For Human Genetics Tuebingen Variant Classification Criteria Version 2. Collection method: clinical testing. Allele origin: germline. Affected: yes. Observed: 1 variant allele.

NM_181703.4(GJA5):c.593T>C (p.Val198Ala)

Genes: GJA5 (gap junction protein alpha 5; minus strand), LOC122128420 (Sharpr-MPRA regulatory region 3144; plus strand). Cytogenetic location: 1q21.2.
Variant type: single nucleotide variant.
Coding change: c.593T>C on transcript NM_181703.4 (MANE Select); coding-DNA position 593, T replaced by C.
Protein change: p.Val198Ala; replaces valine 198 with alanine.
Molecular consequence: missense variant.
Genome position (GRCh38, 1-based): chr1:147,758,646, A>G on the plus strand (T>C on the coding strand, the complement: GJA5 is on the minus strand). VCF-style: chr1-147758646-A-G. GRCh37 (hg19) VCF-style: chr1-147230754-A-G.
Other names: c.593T>C, p.Val198Ala (NM_005266.7); short protein forms V198A.
Identifiers: ClinVar variation 1383336 (VCV001383336.29), dbSNP rs782032408, ClinGen allele CA1065738.